The following is an entry in ClinVar:

ClinVar aggregate classification (germline): Uncertain significance (1 of 4 stars; one submission).

Conditions:
USH2A-related disorder. Also called: USH2A-related disorders; USH2A-related condition. Identifiers: MedGen CN239332.

gnomAD v4.1: 1 of 1,613,914 alleles (0.000062%); highest among the groups gnomAD compares: African/African-American, 0.0013%; no homozygotes.

Submission:

PreventionGenetics, part of Exact Sciences
Classification: Uncertain significance for USH2A-related condition. Last evaluated: 2025-10-21. Review status: criteria provided, single submitter. Criteria: ACMG Guidelines, 2015. Collection method: clinical testing. Allele origin: germline.
Comment: The USH2A c.10924C>G variant is predicted to result in the amino acid substitution p.Gln3642Glu. To our knowledge, this variant has not been reported in the literature. This variant is reported in 0.0062% of alleles in individuals of African descent in gnomAD. At this time, the clinical significance of this variant is uncertain due to the absence of conclusive functional and genetic evidence.

NM_206933.4(USH2A):c.10924C>G (p.Gln3642Glu)

Gene: USH2A (usherin; minus strand). Cytogenetic location: 1q41.
Variant type: single nucleotide variant.
Coding change: c.10924C>G on transcript NM_206933.4 (MANE Select); coding-DNA position 10924, C replaced by G.
Protein change: p.Gln3642Glu; replaces glutamine 3642 with glutamic acid.
Molecular consequence: missense variant.
Genome position (GRCh38, 1-based): chr1:215,779,858, G>C on the plus strand (C>G on the coding strand, the complement: USH2A is on the minus strand). VCF-style: chr1-215779858-G-C. GRCh37 (hg19) VCF-style: chr1-215953200-G-C.
Other names: short protein forms Q3642E.
Identifiers: ClinVar variation 4988270 (VCV004988270.1).